The following is an entry in ClinVar:

NM_006363.6(SEC23B):c.1335G>A (p.Thr445=)

Gene: SEC23B (SEC23 homolog B, COPII component; plus strand). Cytogenetic location: 20p11.23.
Variant type: single nucleotide variant.
Coding change: c.1335G>A on transcript NM_006363.6 (MANE Select); coding-DNA position 1335, G replaced by A.
Protein change: p.Thr445=; no amino-acid change (threonine 445 retained).
Molecular consequence: synonymous variant.
Genome position (GRCh38, 1-based): chr20:18,535,673, G>A. VCF-style: chr20-18535673-G-A. GRCh37 (hg19) VCF-style: chr20-18516317-G-A.
Other names: p.Thr445=; c.1335G>A, p.Thr445= (NM_001172745.3, NM_032985.6, NM_032986.5); c.1281G>A, p.Thr427= (NM_001172746.3).
Identifiers: ClinVar variation 337795 (VCV000337795.50), dbSNP rs146587686, ClinGen allele CA9778321.

ClinVar aggregate classification (germline): Conflicting classifications of pathogenicity. Review status: criteria provided, conflicting classifications (1 of 4 stars). 4 submissions from 4 submitters: Uncertain significance (1); Likely benign (3). Last evaluated 2026-01-14.

Conditions:
Congenital dyserythropoietic anemia, type II (CDAN2). Also called: DYSERYTHROPOIETIC ANEMIA, HEMPAS TYPE. Identifiers: Orphanet 98873, MedGen C1306589, MONDO:0009134, OMIM 224100.
Cowden syndrome 7 (CWS7). Identifiers: Orphanet 201, MedGen C4225179, MONDO:0014802, OMIM 616858.

Allele frequency attached by ClinVar (database versions not stated): ExAC 0.00021; gnomAD 0.00025 and 0.00028; TOPMed 0.00031; ESP Exome Variant Server 0.00054.
gnomAD v4.1: 297 of 1,614,050 alleles (0.018%); highest among the groups gnomAD compares: African/African-American, 0.032%; no homozygotes.

Submissions (5):

Labcorp Genetics (formerly Invitae), Labcorp
Classification: Likely benign for Congenital dyserythropoietic anemia, type II; Cowden syndrome 7. Last evaluated: 2026-01-14. Review status: criteria provided, single submitter. Criteria: Invitae Variant Classification Sherloc (09022015). Collection method: clinical testing. Allele origin: germline.

CeGaT Center for Human Genetics Tuebingen
Classification: Likely benign. Last evaluated: 2025-08-01. Review status: criteria provided, single submitter. Criteria: CeGaT Center For Human Genetics Tuebingen Variant Classification Criteria Version 2. Collection method: clinical testing. Allele origin: germline. Affected: yes. Observed: 3 variant alleles.
Comment: SEC23B: BP4, BP7

Mayo Clinic Laboratories, Mayo Clinic
Classification: Likely benign. Last evaluated: 2025-02-19. Review status: criteria provided, single submitter. Criteria: ACMG Guidelines, 2015. Collection method: clinical testing. Allele origin: germline. Observed: 2 variant alleles.
Comment: BP4, BP7

Illumina Laboratory Services, Illumina
Classification: Uncertain significance for Congenital dyserythropoietic anemia, type II. Last evaluated: 2018-01-12. Review status: criteria provided, single submitter. Criteria: ICSL Variant Classification Criteria 13 December 2019. Collection method: clinical testing. Allele origin: germline.

Dr. Peter K. Rogan Lab, Western University
No classification provided (evidence only). Condition: Ovarian serous cystadenocarcinoma. Review status: no classification provided. Collection method: in vitro. Allele origin: not applicable. Functional consequence: retained intron. Not counted in ClinVar's aggregate classification.